The following is an entry in ClinVar:

NM_001023570.4(IQCB1):c.1496del (p.Leu499fs)

Gene: IQCB1 (IQ motif containing B1; minus strand). Cytogenetic location: 3q13.33.
Variant type: Deletion.
Coding change: c.1496del on transcript NM_001023570.4 (MANE Select); coding-DNA position 1496, one base deleted (T; older notation c.1496delT).
Protein change: p.Leu499fs; shifts the reading frame from leucine 499.
Molecular consequence: frameshift variant. On other transcripts: non-coding transcript variant (1).
Genome position (GRCh38, 1-based): chr3:121,772,628, A deleted on the plus strand (T on the coding strand, the reverse complement: IQCB1 is on the minus strand). VCF-style (leftmost placement, unchanged base first): chr3-121772627-TA-T. GRCh37 (hg19) VCF-style: chr3-121491474-TA-T.
Other names: c.1097del, p.Leu366fs (NM_001023571.4); c.1496del, p.Leu499fs (NM_001319107.2); short protein forms L499fs, L366fs.
Identifiers: ClinVar variation 1974656 (VCV001974656.5), dbSNP rs2547582149, ClinGen allele CA2580068613.
Genomic context (GRCh38, chr3:121,772,627, plus strand): 5'-TTCAACGTTGGTGCTGATCTGTGCTATCAGAGCTTCTCTGTGCTGCTGGGCTCGCTCTTC[TA>T]GGGCCCTGCCCATAAAGTAGTGTTGCAGTCGTTCTTGAGCTTGGGCATGGAGCTCCCTAC-3'

ClinVar aggregate classification (germline): Pathogenic (1 of 4 stars; one submission).

Conditions:
Nephronophthisis. Also called: Juvenile Nephronophthisis. Identifiers: Orphanet 655, MedGen C0687120, MONDO:0019005, HP:0000090.

Submission:

Labcorp Genetics (formerly Invitae), Labcorp
Classification: Pathogenic for Nephronophthisis. Last evaluated: 2021-12-29. Review status: criteria provided, single submitter. Criteria: Invitae Variant Classification Sherloc (09022015). Collection method: clinical testing. Allele origin: germline.
Comment: For these reasons, this variant has been classified as Pathogenic. This variant disrupts a region of the IQCB1 protein in which other variant(s) (p.His506Glnfs*13) have been determined to be pathogenic (PMID: 15723066, 20881296). This suggests that this is a clinically significant region of the protein, and that variants that disrupt it are likely to be disease-causing. This variant has not been reported in the literature in individuals affected with IQCB1-related conditions. This variant is not present in population databases (gnomAD no frequency). This sequence change creates a premature translational stop signal (p.Leu499Glnfs*12) in the IQCB1 gene. While this is not anticipated to result in nonsense mediated decay, it is expected to disrupt the last 100 amino acid(s) of the IQCB1 protein.

Literature cited by the submitters: PubMed 15723066; PubMed 20881296.